The following is an entry in ClinVar:

ClinVar aggregate classification (germline): Uncertain significance (1 of 4 stars; one submission).

Conditions:
Hereditary cancer-predisposing syndrome. Also called: Neoplastic Syndromes, Hereditary; Tumor predisposition; Hereditary Cancer Syndrome; Hereditary neoplastic syndrome. Identifiers: Orphanet 140162, MedGen C0027672, MeSH D009386, MONDO:0015356.

Submission:

Ambry Genetics
Classification: Uncertain significance for Hereditary cancer-predisposing syndrome. Last evaluated: 2021-07-21. Review status: criteria provided, single submitter. Criteria: Ambry Variant Classification Scheme 2023. Collection method: clinical testing. Allele origin: germline.
Comment: The p.Y41F variant (also known as c.122A>T), located in coding exon 2 of the RET gene, results from an A to T substitution at nucleotide position 122. The tyrosine at codon 41 is replaced by phenylalanine, an amino acid with highly similar properties. This amino acid position is highly conserved in available vertebrate species. In addition, the in silico prediction for this alteration is inconclusive. Since supporting evidence is limited at this time, the clinical significance of this alteration remains unclear.

NM_020975.6(RET):c.122A>T (p.Tyr41Phe)

Gene: RET (ret proto-oncogene; plus strand). Cytogenetic location: 10q11.21.
Variant type: single nucleotide variant.
Coding change: c.122A>T on transcript NM_020975.6 (MANE Select); coding-DNA position 122, A replaced by T.
Protein change: p.Tyr41Phe; replaces tyrosine 41 with phenylalanine.
Molecular consequence: missense variant.
Genome position (GRCh38, 1-based): chr10:43,100,507, A>T. VCF-style: chr10-43100507-A-T. GRCh37 (hg19) VCF-style: chr10-43595955-A-T.
Other names: c.122A>T, p.Tyr41Phe (NM_000323.2, NM_001406743.1, NM_001406744.1 and 34 more transcripts); short protein forms Y41F.
Identifiers: ClinVar variation 1755119 (VCV001755119.2), dbSNP rs2132658054, ClinGen allele CA376770141.